The following is an entry in ClinVar:

ClinVar aggregate classification (germline): Pathogenic (1 of 4 stars; one submission).

Conditions:
Hereditary cancer-predisposing syndrome. Also called: Neoplastic Syndromes, Hereditary; Tumor predisposition; Hereditary Cancer Syndrome; Hereditary neoplastic syndrome. Identifiers: Orphanet 140162, MedGen C0027672, MeSH D009386, MONDO:0015356.

Submission:

Ambry Genetics
Classification: Pathogenic for Hereditary cancer-predisposing syndrome. Last evaluated: 2022-01-24. Review status: criteria provided, single submitter. Criteria: Ambry Variant Classification Scheme 2023. Collection method: clinical testing. Allele origin: germline.
Comment: The c.811_814delGAGG pathogenic mutation, located in coding exon 4 of the MSH6 gene, results from a deletion of 4 nucleotides at nucleotide positions 811 to 814, causing a translational frameshift with a predicted alternate stop codon (p.E271Kfs*7). This alteration is expected to result in loss of function by premature protein truncation or nonsense-mediated mRNA decay. As such, this alteration is interpreted as a disease-causing mutation.

NM_000179.3(MSH6):c.811_814del (p.Glu271fs)

Gene: MSH6 (mutS homolog 6; plus strand). Cytogenetic location: 2p16.3.
Variant type: Deletion.
Coding change: c.811_814del on transcript NM_000179.3 (MANE Select); coding-DNA positions 811 to 814, 4 bases deleted (GAGG; older notation c.811_814delGAGG).
Protein change: p.Glu271fs; shifts the reading frame from glutamic acid 271.
Molecular consequence: frameshift variant. On other transcripts: 5 prime UTR variant (2).
Genome position (GRCh38, 1-based): chr2:47,798,794-47,798,797, GAGG deleted; deleting any 4 consecutive bases within chr2:47,798,793-47,798,797 gives the same sequence; the c. name uses the placement nearest the transcript's 3' end. VCF-style (leftmost placement, unchanged base first): chr2-47798792-AGGAG-A. GRCh37 (hg19) VCF-style: chr2-48025931-AGGAG-A.
Other names: c.421_424del, p.Glu141fs (NM_001281492.2); c.-96_-93del (NM_001281493.2, NM_001281494.2); c.907_910delGAGG, p.Glu303Lysfs (NM_001406795.1, NM_001406802.1); c.811_814delGAGG, p.Glu271Lysfs (NM_001406796.1, NM_001406798.1, NM_001406800.1 and 4 more transcripts); c.514_517delGAGG, p.Glu172Lysfs (NM_001406797.1, NM_001406801.1, NM_001406805.1 and 10 more transcripts); c.286_289delGAGG, p.Glu96Lysfs (NM_001406799.1, NM_001406806.1, NM_001406807.1); c.733_736delGAGG, p.Glu245Lysfs (NM_001406804.1); c.-96_-93delGAGG (NM_001406811.1, NM_001406812.1, NM_001406814.1 and 4 more transcripts); and 2 more; short protein forms E271fs, E141fs.
Identifiers: ClinVar variation 1762047 (VCV001762047.2), dbSNP rs2530572521, ClinGen allele CA2580067244.